The following is an entry in ClinVar:

ClinVar aggregate classification (germline): Uncertain significance (1 of 4 stars; one submission).

Conditions:
Autosomal recessive ataxia, Beauce type. Also called: SYNE1-Related Autosomal Recessive Cerebellar Ataxia; Spinocerebellar ataxia, autosomal recessive 8; ATAXIA, RECESSIVE, OF BEAUCE; SYNE1 Deficiency. Identifiers: Orphanet 88644, MedGen C1853116, MONDO:0012549, OMIM 610743.
Emery-Dreifuss muscular dystrophy 4, autosomal dominant (EDMD4). Also called: EMERY-DREIFUSS MUSCULAR DYSTROPHY 4 WITH VARIABLE FEATURES. Identifiers: Orphanet 261, MedGen C2751807, MONDO:0013071, OMIM 612998.

Allele frequency attached by ClinVar (database versions not stated): gnomAD exomes below 0.00001; gnomAD 0.00001; TOPMed 0.00002.
gnomAD v4.1: 4 of 1,611,286 alleles (0.00025%); highest among the groups gnomAD compares: African/African-American, 0.0053%; no homozygotes.

Submission:

Labcorp Genetics (formerly Invitae), Labcorp
Classification: Uncertain significance for Emery-Dreifuss muscular dystrophy 4, autosomal dominant; Autosomal recessive ataxia, Beauce type. Last evaluated: 2022-08-05. Review status: criteria provided, single submitter. Criteria: Invitae Variant Classification Sherloc (09022015). Collection method: clinical testing. Allele origin: germline.
Comment: In summary, the available evidence is currently insufficient to determine the role of this variant in disease. Therefore, it has been classified as a Variant of Uncertain Significance. Algorithms developed to predict the effect of missense changes on protein structure and function are either unavailable or do not agree on the potential impact of this missense change (SIFT: "Deleterious"; PolyPhen-2: "Benign"; Align-GVGD: "Class C0"). This variant has not been reported in the literature in individuals affected with SYNE1-related conditions. This variant is present in population databases (no rsID available, gnomAD 0.01%). This sequence change replaces lysine, which is basic and polar, with threonine, which is neutral and polar, at codon 6861 of the SYNE1 protein (p.Lys6861Thr).

NM_182961.4(SYNE1):c.20795A>C (p.Lys6932Thr)

Gene: SYNE1 (spectrin repeat containing nuclear envelope protein 1; minus strand). Cytogenetic location: 6q25.2.
Variant type: single nucleotide variant.
Coding change: c.20795A>C on transcript NM_182961.4 (MANE Select); coding-DNA position 20795, A replaced by C.
Protein change: p.Lys6932Thr; replaces lysine 6932 with threonine.
Molecular consequence: missense variant.
Genome position (GRCh38, 1-based): chr6:152,232,183, T>G on the plus strand (A>C on the coding strand, the complement: SYNE1 is on the minus strand). VCF-style: chr6-152232183-T-G. GRCh37 (hg19) VCF-style: chr6-152553318-T-G.
Other names: c.20582A>C, p.Lys6861Thr (NM_033071.5); short protein forms K6932T, K6861T.
Identifiers: ClinVar variation 2153250 (VCV002153250.4), dbSNP rs1026723783, ClinGen allele CA150190427.